The following is an entry in ClinVar:

NM_004204.5(PIGQ):c.12G>T (p.Lys4Asn)

Gene: PIGQ (phosphatidylinositol glycan anchor biosynthesis class Q; plus strand). Cytogenetic location: 16p13.3.
Variant type: single nucleotide variant.
Coding change: c.12G>T on transcript NM_004204.5 (MANE Select); coding-DNA position 12, G replaced by T.
Protein change: p.Lys4Asn; replaces lysine 4 with asparagine.
Molecular consequence: missense variant.
Genome position (GRCh38, 1-based): chr16:574,086, G>T. VCF-style: chr16-574086-G-T. GRCh37 (hg19) VCF-style: chr16-624086-G-T.
Other names: c.12G>T, p.Lys4Asn (NM_148920.4); short protein forms K4N.
Identifiers: ClinVar variation 1361864 (VCV001361864.8), dbSNP rs1463376903, ClinGen allele CA394044639.

ClinVar aggregate classification (germline): Uncertain significance (1 of 4 stars; one submission).

Conditions:
Epilepsy. Also called: Seizure disorder. Identifiers: MedGen C0014544, MeSH D004827, MONDO:0005027.

Allele frequency attached by ClinVar (database versions not stated): TOPMed below 0.00001; gnomAD 0.00001.
gnomAD v4.1: 3 of 1,603,364 alleles (0.00019%); highest among the groups gnomAD compares: African/African-American, 0.004%; no homozygotes.

Submission:

Labcorp Genetics (formerly Invitae), Labcorp
Classification: Uncertain significance for Epilepsy. Last evaluated: 2021-01-01. Review status: criteria provided, single submitter. Criteria: Invitae Variant Classification Sherloc (09022015). Collection method: clinical testing. Allele origin: germline.
Comment: In summary, the available evidence is currently insufficient to determine the role of this variant in disease. Therefore, it has been classified as a Variant of Uncertain Significance. Algorithms developed to predict the effect of missense changes on protein structure and function are either unavailable or do not agree on the potential impact of this missense change (SIFT: "Tolerated"; PolyPhen-2: "Probably Damaging"; Align-GVGD: "Class C0"). This variant has not been reported in the literature in individuals with PIGQ-related conditions. This variant is not present in population databases (ExAC no frequency). This sequence change replaces lysine with asparagine at codon 4 of the PIGQ protein (p.Lys4Asn). The lysine residue is moderately conserved and there is a moderate physicochemical difference between lysine and asparagine.